The following is an entry in ClinVar:

NM_052947.4(ALPK2):c.1043T>C (p.Leu348Pro)

Genes: ALPK2 (alpha kinase 2; minus strand), LOC114803473 (ALPK2 eExon liver enhancer; plus strand). Cytogenetic location: 18q21.31.
Variant type: single nucleotide variant.
Coding change: c.1043T>C on transcript NM_052947.4 (MANE Select); coding-DNA position 1043, T replaced by C.
Protein change: p.Leu348Pro; replaces leucine 348 with proline.
Molecular consequence: missense variant.
Genome position (GRCh38, 1-based): chr18:58,579,733, A>G on the plus strand (T>C on the coding strand, the complement: ALPK2 is on the minus strand). VCF-style: chr18-58579733-A-G. GRCh37 (hg19) VCF-style: chr18-56246965-A-G.
Other names: short protein forms L348P.
Identifiers: ClinVar variation 1774777 (VCV001774777.2), dbSNP rs1234133150, ClinGen allele CA402564969.
Genomic context (GRCh38, chr18:58,579,733, plus strand): 5'-TCACCGAATTCCATCTCTTCGTCATCGCTTTCTAATAAAAAAACATGCTCAGTCCCCAGC[A>G]GGTTCCTTTGCCAAACTGCATTAGAGTAATCCGTCATAACATCAGAACATTCCAGATACT-3'
Protein context (NP_443179.3, residues 338-358): DYSNAVWQRN[Leu348Pro]LGTEHVFLLE

ClinVar aggregate classification (germline): Uncertain significance (1 of 4 stars; one submission).

Allele frequency attached by ClinVar (database versions not stated): gnomAD exomes below 0.00001.
gnomAD v4.1: 1 of 1,614,266 alleles (0.000062%); highest among the groups gnomAD compares: East Asian, 0.0022%; no homozygotes.

Submission:

Ambry Genetics
Classification: Uncertain significance. Last evaluated: 2022-09-25. Review status: criteria provided, single submitter. Criteria: Ambry Variant Classification Scheme 2023. Collection method: clinical testing. Allele origin: germline.
Comment: The p.L348P variant (also known as c.1043T>C), located in coding exon 3 of the ALPK2 gene, results from a T to C substitution at nucleotide position 1043. The leucine at codon 348 is replaced by proline, an amino acid with similar properties. This amino acid position is conserved. In addition, the in silico prediction for this alteration is inconclusive. Since supporting evidence is limited at this time, the clinical significance of this alteration remains unclear.